The following is an entry in ClinVar:

ClinVar aggregate classification (germline): Likely benign. Review status: criteria provided, multiple submitters, no conflicts (2 of 4 stars). 4 submissions from 4 submitters: Likely benign (3). 1 of the submissions does not count toward it. Last evaluated 2019-10-22.

Conditions:
TUBA4A-related disorder. Also called: TUBA4A-related condition.

Allele frequency attached by ClinVar (database versions not stated): ExAC 0.00008; gnomAD 0.00008 and 0.00009; gnomAD exomes 0.00008 and 0.00014; TOPMed 0.00013.
gnomAD v4.1: 139 of 1,613,962 alleles (0.0086%); highest among the groups gnomAD compares: Admixed American, 0.0067%; no homozygotes.

Submissions (4):

GeneDx
Classification: Likely benign. Last evaluated: 2019-10-22. Review status: criteria provided, single submitter. Criteria: GeneDx Variant Classification Process June 2021. Collection method: clinical testing. Allele origin: germline. Affected: yes.
Comment: In silico analysis, which includes protein predictors and evolutionary conservation, supports a deleterious effect; Has not been previously published as pathogenic or benign to our knowledge; This variant is associated with the following publications: (PMID: 31996268)

Labcorp Genetics (formerly Invitae), Labcorp
Classification: Likely benign. Last evaluated: 2018-01-26. Review status: criteria provided, single submitter. Criteria: Invitae Variant Classification Sherloc (09022015). Collection method: clinical testing. Allele origin: germline.

Breakthrough Genomics
Classification: Likely benign. Review status: criteria provided, single submitter. Criteria: ACMG Guidelines, 2015. Collection method: not provided. Allele origin: germline. Inheritance: Autosomal dominant inheritance. Affected: yes.

PreventionGenetics, part of Exact Sciences
Classification: Likely benign for TUBA4A-related condition. Last evaluated: 2023-10-13. Review status: no assertion criteria provided. Collection method: clinical testing. Allele origin: germline. Not counted in ClinVar's aggregate classification.
Comment: This variant is classified as likely benign based on ACMG/AMP sequence variant interpretation guidelines (Richards et al. 2015 PMID: 25741868, with internal and published modifications).

NM_006000.3(TUBA4A):c.541G>A (p.Val181Met)

Gene: TUBA4A (tubulin alpha 4a; minus strand). Cytogenetic location: 2q35.
Variant type: single nucleotide variant.
Coding change: c.541G>A on transcript NM_006000.3 (MANE Select); coding-DNA position 541, G replaced by A.
Protein change: p.Val181Met; replaces valine 181 with methionine.
Molecular consequence: missense variant.
Genome position (GRCh38, 1-based): chr2:219,251,158, C>T on the plus strand (G>A on the coding strand, the complement: TUBA4A is on the minus strand). VCF-style: chr2-219251158-C-T. GRCh37 (hg19) VCF-style: chr2-220115880-C-T.
Other names: c.496G>A, p.Val166Met (NM_001278552.2); short protein forms V166M, V181M.
Identifiers: ClinVar variation 722478 (VCV000722478.9), dbSNP rs757373635, ClinGen allele CA2122457.